The following is an entry in ClinVar:

ClinVar aggregate classification (germline): Uncertain significance (1 of 4 stars; one submission).

Submission:

Labcorp Genetics (formerly Invitae), Labcorp
Classification: Uncertain significance. Last evaluated: 2022-04-29. Review status: criteria provided, single submitter. Criteria: Invitae Variant Classification Sherloc (09022015). Collection method: clinical testing. Allele origin: germline.
Comment: In summary, the available evidence is currently insufficient to determine the role of this variant in disease. Therefore, it has been classified as a Variant of Uncertain Significance. This sequence change replaces leucine, which is neutral and non-polar, with glutamine, which is neutral and polar, at codon 46 of the ROM1 protein (p.Leu46Gln). This variant is not present in population databases (gnomAD no frequency). This variant has not been reported in the literature in individuals affected with ROM1-related conditions. Algorithms developed to predict the effect of missense changes on protein structure and function are either unavailable or do not agree on the potential impact of this missense change (SIFT: "Deleterious"; PolyPhen-2: "Probably Damaging"; Align-GVGD: "Class C0").

NM_000327.4(ROM1):c.137T>A (p.Leu46Gln)

Gene: ROM1 (retinal outer segment membrane protein 1; plus strand). Cytogenetic location: 11q12.3.
Variant type: single nucleotide variant.
Coding change: c.137T>A on transcript NM_000327.4 (MANE Select); coding-DNA position 137, T replaced by A.
Protein change: p.Leu46Gln; replaces leucine 46 with glutamine.
Molecular consequence: missense variant.
Genome position (GRCh38, 1-based): chr11:62,613,418, T>A. VCF-style: chr11-62613418-T-A. GRCh37 (hg19) VCF-style: chr11-62380890-T-A.
Other names: short protein forms L46Q.
Identifiers: ClinVar variation 1975894 (VCV001975894.5), dbSNP rs748039721, ClinGen allele CA223034179.